The following is an entry in ClinVar:

ClinVar aggregate classification (germline): Uncertain significance. Review status: criteria provided, multiple submitters, no conflicts (2 of 4 stars). 2 submissions from 2 submitters: Uncertain significance (2). Last evaluated 2024-11-09.

Conditions:
VPS13B-related disorder. Also called: VPS13B-related condition.
Cohen syndrome (COH1). Also called: Cutis verticis gyrata, retinitis pigmentosa, and sensorineural deafness; PEPPER SYNDROME. Identifiers: Orphanet 193, MedGen C0265223, MONDO:0008999, OMIM 216550.

gnomAD v4.1: 3 of 1,614,068 alleles (0.00019%); highest among the groups gnomAD compares: Non-Finnish European, 0.00025%; no homozygotes.

Submissions (2):

PreventionGenetics, part of Exact Sciences
Classification: Uncertain significance for VPS13B-related condition. Last evaluated: 2024-11-09. Review status: criteria provided, single submitter. Criteria: ACMG Guidelines, 2015. Collection method: clinical testing. Allele origin: germline.
Comment: The VPS13B c.5489C>T variant is predicted to result in the amino acid substitution p.Ala1830Val. To our knowledge, this variant has not been reported in the literature or in a large population database (gnomAD), indicating this variant is rare. At this time, the clinical significance of this variant is uncertain due to the absence of conclusive functional and genetic evidence.

Labcorp Genetics (formerly Invitae), Labcorp
Classification: Uncertain significance for Cohen syndrome. Last evaluated: 2021-12-19. Review status: criteria provided, single submitter. Criteria: Invitae Variant Classification Sherloc (09022015). Collection method: clinical testing. Allele origin: germline.
Comment: Algorithms developed to predict the effect of missense changes on protein structure and function are either unavailable or do not agree on the potential impact of this missense change (SIFT: "Not Available"; PolyPhen-2: "Probably Damaging"; Align-GVGD: "Not Available"). In summary, the available evidence is currently insufficient to determine the role of this variant in disease. Therefore, it has been classified as a Variant of Uncertain Significance. This variant has not been reported in the literature in individuals affected with VPS13B-related conditions. This variant is not present in population databases (gnomAD no frequency). This sequence change replaces alanine, which is neutral and non-polar, with valine, which is neutral and non-polar, at codon 1855 of the VPS13B protein (p.Ala1855Val).

NM_152564.5(VPS13B):c.5489C>T (p.Ala1830Val)

Gene: VPS13B (vacuolar protein sorting 13 homolog B; plus strand). Cytogenetic location: 8q22.2.
Variant type: single nucleotide variant.
Coding change: c.5489C>T on transcript NM_152564.5 (MANE Select); coding-DNA position 5489, C replaced by T.
Protein change: p.Ala1830Val; replaces alanine 1830 with valine.
Molecular consequence: missense variant.
Genome position (GRCh38, 1-based): chr8:99,642,079, C>T. VCF-style: chr8-99642079-C-T. GRCh37 (hg19) VCF-style: chr8-100654307-C-T.
Other names: c.5564C>T, p.Ala1855Val (NM_017890.5); short protein forms A1855V, A1830V.
Identifiers: ClinVar variation 2048774 (VCV002048774.5), dbSNP rs1829392467, ClinGen allele CA371872668.